The following is an entry in ClinVar:

NM_001111067.4(ACVR1):c.931T>A (p.Ser311Thr)

Gene: ACVR1 (activin A receptor type 1; minus strand). Cytogenetic location: 2q24.1.
Variant type: single nucleotide variant.
Coding change: c.931T>A on transcript NM_001111067.4 (MANE Select); coding-DNA position 931, T replaced by A.
Protein change: p.Ser311Thr; replaces serine 311 with threonine.
Molecular consequence: missense variant.
Genome position (GRCh38, 1-based): chr2:157,766,056, A>T on the plus strand (T>A on the coding strand, the complement: ACVR1 is on the minus strand). VCF-style: chr2-157766056-A-T. GRCh37 (hg19) VCF-style: chr2-158622568-A-T.
Other names: c.931T>A (NM_001105.4); c.931T>A, p.Ser311Thr (NM_001105.5, NM_001347663.1, NM_001347664.1 and 3 more transcripts); short protein forms S311T.
Identifiers: ClinVar variation 3687152 (VCV003687152.3).

ClinVar aggregate classification (germline): Uncertain significance. Review status: criteria provided, multiple submitters, no conflicts (2 of 4 stars). 2 submissions from 2 submitters: Uncertain significance (2). Last evaluated 2025-11-11.

Conditions:
Inborn genetic diseases. Identifiers: MedGen C0950123, MeSH D030342.

Submissions (2):

Ambry Genetics
Classification: Uncertain significance for Inborn genetic diseases. Last evaluated: 2025-11-11. Review status: criteria provided, single submitter. Criteria: Ambry Variant Classification Scheme 2023. Collection method: clinical testing. Allele origin: germline.

Labcorp Genetics (formerly Invitae), Labcorp
Classification: Uncertain significance. Last evaluated: 2025-02-27. Review status: criteria provided, single submitter. Criteria: Invitae Variant Classification Sherloc (09022015). Collection method: clinical testing. Allele origin: germline.
Comment: This sequence change replaces serine, which is neutral and polar, with threonine, which is neutral and polar, at codon 311 of the ACVR1 protein (p.Ser311Thr). This variant is not present in population databases (gnomAD no frequency). This variant has not been reported in the literature in individuals affected with ACVR1-related conditions. An algorithm developed to predict the effect of missense changes on protein structure and function (PolyPhen-2) suggests that this variant is likely to be disruptive. In summary, the available evidence is currently insufficient to determine the role of this variant in disease. Therefore, it has been classified as a Variant of Uncertain Significance.